The following is an entry in ClinVar:

NM_001206927.2(DNAH8):c.799C>G (p.Leu267Val)

Gene: DNAH8 (dynein axonemal heavy chain 8; plus strand). Cytogenetic location: 6p21.2.
Variant type: single nucleotide variant.
Coding change: c.799C>G on transcript NM_001206927.2 (MANE Select); coding-DNA position 799, C replaced by G.
Protein change: p.Leu267Val; replaces leucine 267 with valine.
Molecular consequence: missense variant.
Genome position (GRCh38, 1-based): chr6:38,737,103, C>G. VCF-style: chr6-38737103-C-G. GRCh37 (hg19) VCF-style: chr6-38704879-C-G.
Other names: c.148C>G, p.Leu50Val (NM_001371.4); short protein forms L267V, L50V.
Identifiers: ClinVar variation 857939 (VCV000857939.1), dbSNP rs1764158324, ClinGen allele CA363986486.
Genomic context (GRCh38, chr6:38,737,103, plus strand): 5'-AACATTTAAACTCCACCCTTTCAGGAAGCGCTCTTTACTGTTCTGGATGCGTCGAAAGGA[C>G]TCTTAAATGGAATTAGGGATATGTTGGCAAATATATTTCTACCAGCTGTTCTTGCAACAA-3'
Protein context (NP_001193856.1, residues 257-277): LFTVLDASKG[Leu267Val]LNGIRDMLAN

ClinVar aggregate classification (germline): Uncertain significance (1 of 4 stars; one submission).

Conditions:
Primary ciliary dyskinesia. Also called: Ciliary dyskinesia. Identifiers: Orphanet 244, MedGen C0008780, MONDO:0016575, HP:0012265.

Submission:

Labcorp Genetics (formerly Invitae), Labcorp
Classification: Uncertain significance for Primary ciliary dyskinesia. Last evaluated: 2019-12-19. Review status: criteria provided, single submitter. Criteria: Invitae Variant Classification Sherloc (09022015). Collection method: clinical testing. Allele origin: germline.
Comment: This sequence change replaces leucine with valine at codon 267 of the DNAH8 protein (p.Leu267Val). The leucine residue is moderately conserved and there is a small physicochemical difference between leucine and valine. This variant is not present in population databases (ExAC no frequency). This variant has not been reported in the literature in individuals with DNAH8-related conditions. Algorithms developed to predict the effect of missense changes on protein structure and function are either unavailable or do not agree on the potential impact of this missense change (SIFT: "Deleterious"; PolyPhen-2: "Not Available"; Align-GVGD: "Class C0"). In summary, the available evidence is currently insufficient to determine the role of this variant in disease. Therefore, it has been classified as a Variant of Uncertain Significance.